The following is an entry in ClinVar:

NM_001376.5(DYNC1H1):c.608C>T (p.Pro203Leu)

Gene: DYNC1H1 (dynein cytoplasmic 1 heavy chain 1; plus strand). Cytogenetic location: 14q32.31.
Variant type: single nucleotide variant.
Coding change: c.608C>T on transcript NM_001376.5 (MANE Select); coding-DNA position 608, C replaced by T.
Protein change: p.Pro203Leu; replaces proline 203 with leucine.
Molecular consequence: missense variant.
Genome position (GRCh38, 1-based): chr14:101,979,808, C>T. VCF-style: chr14-101979808-C-T. GRCh37 (hg19) VCF-style: chr14-102446145-C-T.
Other names: short protein forms P203L.
Identifiers: ClinVar variation 1721156 (VCV001721156.5), dbSNP rs1177698609, ClinGen allele CA391008351.

ClinVar aggregate classification (germline): Uncertain significance (1 of 4 stars; one submission).

Conditions:
Charcot-Marie-Tooth disease axonal type 2O. Also called: CHARCOT-MARIE-TOOTH NEUROPATHY, AXONAL, TYPE 2O; CHARCOT-MARIE-TOOTH DISEASE, AXONAL, AUTOSOMAL DOMINANT, TYPE 2O; Charcot-Marie-Tooth disease, axonal, type 20; Charcot-Marie-Tooth Neuropathy Type 2O. Identifiers: Orphanet 284232, MedGen C3280220, MONDO:0013644, OMIM 614228.

Allele frequency attached by ClinVar (database versions not stated): gnomAD exomes below 0.00001.
gnomAD v4.1: 4 of 1,614,068 alleles (0.00025%); highest among the groups gnomAD compares: Non-Finnish European, 0.00025%; no homozygotes.

Submission:

Labcorp Genetics (formerly Invitae), Labcorp
Classification: Uncertain significance for Charcot-Marie-Tooth disease axonal type 2O. Last evaluated: 2024-09-01. Review status: criteria provided, single submitter. Criteria: Invitae Variant Classification Sherloc (09022015). Collection method: clinical testing. Allele origin: germline.
Comment: This sequence change replaces proline, which is neutral and non-polar, with leucine, which is neutral and non-polar, at codon 203 of the DYNC1H1 protein (p.Pro203Leu). The frequency data for this variant in the population databases is considered unreliable, as metrics indicate poor data quality at this position in the gnomAD database. This variant has not been reported in the literature in individuals affected with DYNC1H1-related conditions. ClinVar contains an entry for this variant (Variation ID: 1721156). Invitae Evidence Modeling of protein sequence and biophysical properties (such as structural, functional, and spatial information, amino acid conservation, physicochemical variation, residue mobility, and thermodynamic stability) indicates that this missense variant is expected to disrupt DYNC1H1 protein function with a positive predictive value of 95%. In summary, the available evidence is currently insufficient to determine the role of this variant in disease. Therefore, it has been classified as a Variant of Uncertain Significance.